The following is an entry in ClinVar:

NM_000426.4(LAMA2):c.1681T>G (p.Leu561Val)

Gene: LAMA2 (laminin subunit alpha 2; plus strand). Cytogenetic location: 6q22.33.
Variant type: single nucleotide variant.
Coding change: c.1681T>G on transcript NM_000426.4 (MANE Select); coding-DNA position 1681, T replaced by G.
Protein change: p.Leu561Val; replaces leucine 561 with valine.
Molecular consequence: missense variant.
Genome position (GRCh38, 1-based): chr6:129,192,752, T>G. VCF-style: chr6-129192752-T-G. GRCh37 (hg19) VCF-style: chr6-129513897-T-G.
Other names: c.1681T>G, p.Leu561Val (NM_001079823.2); short protein forms L561V.
Identifiers: ClinVar variation 586115 (VCV000586115.10), dbSNP rs765515681, ClinGen allele CA3992697.
Genomic context (GRCh38, chr6:129,192,752, plus strand): 5'-AGTGGCTGGTATCTGACTGACCTTCCTGGCCGCATTCGAGTGGCTCCCCAGCAGGACGAC[T>G]TGGACTCACCTCAGCAGATCAGCATCAGTAACGCGGAGGCCCGGCAAGCCCTGCCGCACA-3'
Protein context (NP_000417.3, residues 551-571): RIRVAPQQDD[Leu561Val]DSPQQISISN

ClinVar aggregate classification (germline): Uncertain significance. Review status: criteria provided, multiple submitters, no conflicts (2 of 4 stars). 5 submissions from 5 submitters: Uncertain significance (5). Last evaluated 2024-09-30.

Conditions:
LAMA2-related muscular dystrophy (LAMA2-RD). Also called: Laminin alpha 2-related dystrophy. Identifiers: MedGen C5679788, MONDO:0100228.
Inborn genetic diseases. Identifiers: MedGen C0950123, MeSH D030342.

Allele frequency attached by ClinVar (database versions not stated): gnomAD exomes below 0.00001; ExAC 0.00001; gnomAD 0.00001; TOPMed 0.00002.
gnomAD v4.1: 35 of 1,614,070 alleles (0.0022%); highest among the groups gnomAD compares: Non-Finnish European, 0.003%; no homozygotes.

Submissions (5):

Ambry Genetics
Classification: Uncertain significance for Inborn genetic diseases. Last evaluated: 2024-09-30. Review status: criteria provided, single submitter. Criteria: Ambry Variant Classification Scheme 2023. Collection method: clinical testing. Allele origin: germline.

Blueprint Genetics
Classification: Uncertain significance. Last evaluated: 2023-11-23. Review status: criteria provided, single submitter. Criteria: ACMG Guidelines, 2015. Collection method: clinical testing. Allele origin: germline.

Revvity Omics, Revvity
Classification: Uncertain significance. Last evaluated: 2023-03-01. Review status: criteria provided, single submitter. Criteria: ACMG Guidelines, 2015. Collection method: clinical testing. Allele origin: germline.

Labcorp Genetics (formerly Invitae), Labcorp
Classification: Uncertain significance for LAMA2-related muscular dystrophy. Last evaluated: 2022-08-03. Review status: criteria provided, single submitter. Criteria: Invitae Variant Classification Sherloc (09022015). Collection method: clinical testing. Allele origin: germline.
Comment: This sequence change replaces leucine, which is neutral and non-polar, with valine, which is neutral and non-polar, at codon 561 of the LAMA2 protein (p.Leu561Val). This variant is present in population databases (rs765515681, gnomAD 0.0009%). This variant has not been reported in the literature in individuals affected with LAMA2-related conditions. ClinVar contains an entry for this variant (Variation ID: 586115). Advanced modeling of protein sequence and biophysical properties (such as structural, functional, and spatial information, amino acid conservation, physicochemical variation, residue mobility, and thermodynamic stability) performed at Invitae indicates that this missense variant is not expected to disrupt LAMA2 protein function. In summary, the available evidence is currently insufficient to determine the role of this variant in disease. Therefore, it has been classified as a Variant of Uncertain Significance.

Athena Diagnostics
Classification: Uncertain significance. Last evaluated: 2018-08-22. Review status: criteria provided, single submitter. Criteria: Athena Diagnostics Criteria. Collection method: clinical testing. Allele origin: germline.